The following is an entry in ClinVar:

NM_005912.3(MC4R):c.493C>T (p.Arg165Trp)

Gene: MC4R (melanocortin 4 receptor; minus strand). Cytogenetic location: 18q21.32.
Variant type: single nucleotide variant.
Coding change: c.493C>T on transcript NM_005912.3 (MANE Select); coding-DNA position 493, C replaced by T.
Protein change: p.Arg165Trp; replaces arginine 165 with tryptophan.
Molecular consequence: missense variant.
Genome position (GRCh38, 1-based): chr18:60,371,857, G>A on the plus strand (C>T on the coding strand, the complement: MC4R is on the minus strand). VCF-style: chr18-60371857-G-A. GRCh37 (hg19) VCF-style: chr18-58039090-G-A.
Other names: c.493C>T (NM_005912.2); short protein forms R165W.
Identifiers: ClinVar variation 1284736 (VCV001284736.21), dbSNP rs13447332, ClinGen allele CA8980910.

ClinVar aggregate classification (germline): Pathogenic/Likely pathogenic. Review status: criteria provided, multiple submitters, no conflicts (2 of 4 stars). 13 submissions from 13 submitters: Pathogenic (7); Likely pathogenic (4). 2 of the submissions do not count toward it. Last evaluated 2026-09-18.

Conditions:
MC4R-related disorder. Also called: MC4R-related condition.
BODY MASS INDEX QUANTITATIVE TRAIT LOCUS 20 (BMIQ20). Also called: MELANOCORTIN 4 RECEPTOR DEFICIENCY; MC4R DEFICIENCY. Identifiers: MedGen C4759928, OMIM 618406.
Early onset severe obesity. Identifiers: MedGen C4013980.
Obesity due to melanocortin 4 receptor deficiency. Identifiers: Orphanet 71529, MedGen C4273958, MONDO:0019115.

Allele frequency attached by ClinVar (database versions not stated): gnomAD 0.00001; ExAC 0.00002; gnomAD exomes 0.00002 and 0.00004; TOPMed 0.00002.
gnomAD v4.1: 56 of 1,613,958 alleles (0.0035%); highest among the groups gnomAD compares: Middle Eastern, 0.016%; no homozygotes.

Submissions (13):

PreventionGenetics, part of Exact Sciences
Classification: Pathogenic for MC4R-related condition. Last evaluated: 2026-09-18. Review status: criteria provided, single submitter. Criteria: ACMG Guidelines, 2015. Collection method: clinical testing. Allele origin: germline.
Comment: The MC4R c.493C>T variant is predicted to result in the amino acid substitution p.Arg165Trp. This variant has been reported to be causative for autosomal dominant severe obesity in multiple studies (for example, see Hinney et al. 1999. PubMed ID: 10199800; Hinney et al. 2003. PubMed ID: 12970296; Lubrano-Berthelier et al. 2006. PubMed ID: 16507637; Vaisse et al. 2000. PubMed ID: 10903341; Stutzmann et al. 2008. PubMed ID: 18559663). Functionally, this variant causes a reduction of MC4R protein trafficking to the plasma membrane and a decrease in ligand-binding efficacy (Nijenhuis et al. 2003. PubMed ID: 12690102). This variant is reported in 0.0054% of alleles in individuals of East Asian descent in gnomAD. This variant is classified as pathogenic.

Labcorp Genetics (formerly Invitae), Labcorp
Classification: Pathogenic. Last evaluated: 2025-12-02. Review status: criteria provided, single submitter. Criteria: Invitae Variant Classification Sherloc (09022015). Collection method: clinical testing. Allele origin: germline.
Comment: This sequence change replaces arginine, which is basic and polar, with tryptophan, which is neutral and slightly polar, at codon 165 of the MC4R protein (p.Arg165Trp). This variant is present in population databases (rs13447332, gnomAD 0.01%). This missense change has been observed in individual(s) with clinical features autosomal dominant obesity due to melanocortin 4 receptor deficiency (PMID: 10199800, 10903341, 29970488, 30991789, 32185475). It has also been observed to segregate with disease in related individuals. ClinVar contains an entry for this variant (Variation ID: 1284736). Invitae Evidence Modeling of protein sequence and biophysical properties (such as structural, functional, and spatial information, amino acid conservation, physicochemical variation, residue mobility, and thermodynamic stability) indicates that this missense variant is not expected to disrupt MC4R protein function with a negative predictive value of 80%. Experimental studies have shown that this missense change affects MC4R function (PMID: 10903341, 12690102, 16752916). This variant disrupts the p.Arg165 amino acid residue in MC4R. Other variant(s) that disrupt this residue have been determined to be pathogenic (PMID: 10903343, 12588803, 12646665, 12690102, 15486053, 16752916). This suggests that this residue is clinically significant, and that variants that disrupt this residue are likely to be disease-causing. For these reasons, this variant has been classified as Pathogenic.

GeneDx
Classification: Pathogenic. Last evaluated: 2025-03-14. Review status: criteria provided, single submitter. Criteria: GeneDx Variant Classification Process June 2021. Collection method: clinical testing. Allele origin: germline. Affected: yes.
Comment: Observed heterozygous in other patients with early-onset obesity in published literature (PMID: 10199800, 29970488); In silico analysis supports that this missense variant has a deleterious effect on protein structure/function; This variant is associated with the following publications: (PMID: 17628007, 18559663, 20826565, 20631012, 10903341, 23146882, 12970296, 16752916, 25332687, 12690102, 32185475, 29970488, 16507637, 37140139, 17590021, 37601970, 32349990, 10199800, 31002796, 30991789)

Revvity Omics, Revvity
Classification: Pathogenic for BODY MASS INDEX QUANTITATIVE TRAIT LOCUS 20. Last evaluated: 2025-03-03. Review status: criteria provided, single submitter. Criteria: ACMG Guidelines, 2015. Collection method: clinical testing. Allele origin: germline.

Institute of Human Genetics, University of Leipzig Medical Center
Classification: Pathogenic for BODY MASS INDEX QUANTITATIVE TRAIT LOCUS 20. Last evaluated: 2024-03-12. Review status: criteria provided, single submitter. Criteria: ACMG Guidelines, 2015. Collection method: clinical testing. Allele origin: unknown. Inheritance: Autosomal dominant inheritance. Affected: yes.
Comment: Criteria applied: PS4,PP1_STR,PS3_MOD,PM5,PM1_SUP

Cambridge Genomics Laboratory, East Genomic Laboratory Hub, NHS Genomic Medicine Service
Classification: Pathogenic for Severe early-onset obesity. Last evaluated: 2023-11-15. Review status: criteria provided, single submitter. Criteria: ACGS Best Practice Guidelines for Variant Classification in Rare Disease 2020. Collection method: clinical testing. Allele origin: germline. Affected: yes.
Comment: The missense variant NM_005912.3(MC4R):c.493C>T (p.Arg165Trp) causes a change at the same amino acid residue as a previously established pathogenic variant. (PM5 - Moderate) | 3 variants within 6 amino acid positions of the variant p.Arg165Trp have been shown to be pathogenic, while only 1 have been shown to be benign. (PM1 - Moderate) | Functional studies demonstrate that this variant has a damaging effect on the gene or gene product (PS3 - Strong)

MGZ Medical Genetics Center
Classification: Likely pathogenic for BODY MASS INDEX QUANTITATIVE TRAIT LOCUS 20. Last evaluated: 2022-08-22. Review status: criteria provided, single submitter. Criteria: ACMG Guidelines, 2015. Collection method: clinical testing. Allele origin: germline. Affected: yes. Observed: 1 variant allele.
Comment: ACMG criteria applied: PS3_MOD, PS4_MOD, PM5, PM2_SUP, PM3_SUP, PP1, PP3

Fulgent Genetics
Classification: Likely pathogenic for BODY MASS INDEX QUANTITATIVE TRAIT LOCUS 20. Last evaluated: 2022-03-26. Review status: criteria provided, single submitter. Criteria: ACMG Guidelines, 2015. Collection method: clinical testing. Allele origin: unknown.

Laboratory for Molecular Medicine, Mass General Brigham Personalized Medicine
Classification: Likely pathogenic for Obesity due to melanocortin 4 receptor deficiency. Last evaluated: 2018-09-28. Review status: criteria provided, single submitter. Criteria: ACMG Guidelines, 2015. Collection method: clinical testing. Allele origin: germline. Inheritance: Autosomal dominant inheritance.
Comment: The p.Arg165Trp variant in MC4R has been reported in at least 5 individuals with severe early-onset obesity and segregated with disease in 2 affected relative (Hinney 1999, Hinney 2003, Lubrano-Betherlier 2006, Melchior 2012, Stutzmann 2008, Vaisse 2000). This variant has been identified in 2/17232 East Asian chromosomes by the Genome Aggregation Database (gnomAD). In vitro functional studies provide some evidence that the p.Arg165Trp variant may impact protein function (Nijenhuis 2003, Hinney 2003, Lubrano-Betherlier 2006, Melchior 2012, Rene 2010, Granell 2010, He 2011); however, these types of assays may not accurately represent biological function. Computational prediction tools and conservation analysis suggest that the p.Arg165Trp variant may impact the protein, though this information is not predictive enough to determine pathogenicity. In summary, although additional studies are required to fully establish its clinical significance, the p.Arg165Trp variant is likely pathogenic. ACMG/AMP criteria applied: PM2, PM5, PP3, PS3_Supporting, PS4_Supporting.

Kasturba Medical College, Manipal, Kasturba Medical College, Manipal, Manipal Academy of Higher Education, Manipal, India
Classification: Pathogenic for BODY MASS INDEX QUANTITATIVE TRAIT LOCUS 20. Review status: criteria provided, single submitter. Criteria: ACMG Guidelines, 2015. Collection method: research. Allele origin: paternal. Inheritance: Autosomal dominant inheritance. Affected: yes. Observed: 1 heterozygote.
Comment: The variant is present in 56 individuals in heterozygous state and absent in homozygous state in gnomAD (v4.1.0). The variant is absent in our in-house database of 3274 exomes. In silico prediction tools (MutationTaster, CADD_phred, and REVEL) are consistent in predicting the variant to be damaging to MC4R protein function. This variant was demonstrated to lead to a reduction in receptor activation (Vaisse et al., 2000). Loss-of-function variants in MC4R are associated with obesity and this likely contributes to the obesity phenotype seen in the proband, although non-penetrance is known with this variant (Dubern et al.,2001).

Molecular Endocrinology Laboratory, Christian Medical College
Classification: Likely pathogenic for BODY MASS INDEX QUANTITATIVE TRAIT LOCUS 20. Review status: criteria provided, single submitter. Criteria: ACMG Guidelines, 2015. Collection method: clinical testing. Allele origin: germline. Affected: yes.

Clinical Genetics, Academic Medical Center
Classification: Pathogenic. Review status: no assertion criteria provided. Collection method: clinical testing. Allele origin: germline. Affected: yes. Study: VKGL Data-share Consensus. Not counted in ClinVar's aggregate classification.

Genome Diagnostics Laboratory, University Medical Center Utrecht
Classification: Pathogenic. Review status: no assertion criteria provided. Collection method: clinical testing. Allele origin: germline. Affected: yes. Study: VKGL Data-share Consensus. Not counted in ClinVar's aggregate classification.

Literature cited by the submitters: PubMed 10199800 (cited by Labcorp Genetics (formerly Invitae), Labcorp and Laboratory for Molecular Medicine, Mass General Brigham Personalized Medicine); PubMed 10903341 (cited by 3 submitters); PubMed 29970488 (cited by Labcorp Genetics (formerly Invitae), Labcorp); PubMed 30991789 (cited by Labcorp Genetics (formerly Invitae), Labcorp); PubMed 32185475 (cited by Labcorp Genetics (formerly Invitae), Labcorp and Kasturba Medical College, Manipal, Kasturba Medical College, Manipal, Manipal Academy of Higher Education, Manipal, India); PubMed 12690102 (cited by Labcorp Genetics (formerly Invitae), Labcorp and Laboratory for Molecular Medicine, Mass General Brigham Personalized Medicine); PubMed 16752916 (cited by Labcorp Genetics (formerly Invitae), Labcorp); PubMed 10903343 (cited by Labcorp Genetics (formerly Invitae), Labcorp); PubMed 12588803 (cited by Labcorp Genetics (formerly Invitae), Labcorp); PubMed 12646665 (cited by Labcorp Genetics (formerly Invitae), Labcorp); PubMed 15486053 (cited by Labcorp Genetics (formerly Invitae), Labcorp); PubMed 18559663 (cited by Laboratory for Molecular Medicine, Mass General Brigham Personalized Medicine); PubMed 20631012 (cited by Laboratory for Molecular Medicine, Mass General Brigham Personalized Medicine); PubMed 23146882 (cited by Laboratory for Molecular Medicine, Mass General Brigham Personalized Medicine); PubMed 12970296 (cited by Laboratory for Molecular Medicine, Mass General Brigham Personalized Medicine); PubMed 20826565 (cited by Laboratory for Molecular Medicine, Mass General Brigham Personalized Medicine); PubMed 25332687 (cited by Laboratory for Molecular Medicine, Mass General Brigham Personalized Medicine); PubMed 16507637 (cited by Laboratory for Molecular Medicine, Mass General Brigham Personalized Medicine); PubMed 17628007 (cited by Laboratory for Molecular Medicine, Mass General Brigham Personalized Medicine); PubMed 11487744 (cited by Kasturba Medical College, Manipal, Kasturba Medical College, Manipal, Manipal Academy of Higher Education, Manipal, India); PubMed 27222505 (cited by Molecular Endocrinology Laboratory, Christian Medical College).